The following is an entry in ClinVar:

NM_015599.3(PGM3):c.431T>C (p.Val144Ala)

Gene: PGM3 (phosphoglucomutase 3; minus strand). Cytogenetic location: 6q14.1.
Variant type: single nucleotide variant.
Coding change: c.431T>C on transcript NM_015599.3 (MANE Select); coding-DNA position 431, T replaced by C.
Protein change: p.Val144Ala; replaces valine 144 with alanine.
Molecular consequence: missense variant. On other transcripts: non-coding transcript variant (1).
Genome position (GRCh38, 1-based): chr6:83,187,034, A>G on the plus strand (T>C on the coding strand, the complement: PGM3 is on the minus strand). VCF-style: chr6-83187034-A-G. GRCh37 (hg19) VCF-style: chr6-83896753-A-G.
Other names: c.515T>C, p.Val172Ala (NM_001199917.2, NM_001367287.1); c.188T>C, p.Val63Ala (NM_001199918.2); c.431T>C, p.Val144Ala (NM_001199919.2, NM_001367286.1); short protein forms V144A, V172A, V63A.
Identifiers: ClinVar variation 1717879 (VCV001717879.5), dbSNP rs2538190215, ClinGen allele CA364850517.

ClinVar aggregate classification (germline): Uncertain significance (1 of 4 stars; one submission).

Conditions:
Immunodeficiency 23 (IMD23). Also called: IMMUNODEFICIENCY WITH HYPER IgE AND COGNITIVE IMPAIRMENT; IMMUNODEFICIENCY-VASCULITIS-MYOCLONUS SYNDROME. Identifiers: Orphanet 443811, MedGen C4014371, MONDO:0014353, OMIM 615816.

Submission:

Labcorp Genetics (formerly Invitae), Labcorp
Classification: Uncertain significance for Immunodeficiency 23. Last evaluated: 2024-02-24. Review status: criteria provided, single submitter. Criteria: Invitae Variant Classification Sherloc (09022015). Collection method: clinical testing. Allele origin: germline.
Comment: This sequence change replaces valine, which is neutral and non-polar, with alanine, which is neutral and non-polar, at codon 172 of the PGM3 protein (p.Val172Ala). This variant is not present in population databases (gnomAD no frequency). This variant has not been reported in the literature in individuals affected with PGM3-related conditions. ClinVar contains an entry for this variant (Variation ID: 1717879). An algorithm developed to predict the effect of missense changes on protein structure and function (PolyPhen-2) suggests that this variant is likely to be tolerated. In summary, the available evidence is currently insufficient to determine the role of this variant in disease. Therefore, it has been classified as a Variant of Uncertain Significance.